The following is an entry in ClinVar:

NM_207421.4(PADI6):c.367G>T (p.Glu123Ter)

Gene: PADI6 (peptidyl arginine deiminase 6; plus strand). Cytogenetic location: 1p36.13.
Variant type: single nucleotide variant.
Coding change: c.367G>T on transcript NM_207421.4 (MANE Select); coding-DNA position 367, G replaced by T.
Protein change: p.Glu123Ter; replaces glutamic acid 123 with a stop codon.
Molecular consequence: nonsense.
Genome position (GRCh38, 1-based): chr1:17,375,499, G>T. VCF-style: chr1-17375499-G-T. GRCh37 (hg19) VCF-style: chr1-17701994-G-T.
Other names: short protein forms E123*.
Identifiers: ClinVar variation 5005307 (VCV005005307.2).

ClinVar aggregate classification (germline): Likely pathogenic (1 of 4 stars; one submission).

Conditions:
Oocyte/zygote/embryo maturation arrest 16. Also called: Preimplantation embryonic lethality 2. Identifiers: MedGen C4310659, MONDO:1010200, OMIM 617234.

Submission:

Juno Genomics, Hangzhou Juno Genomics, Inc
Classification: Likely pathogenic for Oocyte/zygote/embryo maturation arrest 16. Review status: criteria provided, single submitter. Criteria: ACMG Guidelines, 2015. Collection method: clinical testing. Allele origin: germline.
Comment: Null variant in a gene where loss of function (LOF) is a known mechanism of disease.;Absent from controls (or at extremely low frequency if recessive) in Genome Aggregation Database.